The following is an entry in ClinVar:

ClinVar aggregate classification (germline): Likely pathogenic. Review status: criteria provided, multiple submitters, no conflicts (2 of 4 stars). 2 submissions from 2 submitters: Likely pathogenic (2). Last evaluated 2024-01-02.

Conditions:
TH-deficient dopa-responsive dystonia. Also called: Tyrosine Hydroxylase-Deficient Dopa-Responsive Dystonia; Segawa syndrome, autosomal recessive; DYT-TH. Identifiers: Orphanet 101150, MedGen C2673535, MONDO:0011551, OMIM 605407.

Submissions (2):

Fulgent Genetics
Classification: Likely pathogenic for TH-deficient dopa-responsive dystonia. Last evaluated: 2024-01-02. Review status: criteria provided, single submitter. Criteria: ACMG Guidelines, 2015. Collection method: clinical testing. Allele origin: germline.

Labcorp Genetics (formerly Invitae), Labcorp
Classification: Likely pathogenic for TH-deficient dopa-responsive dystonia. Last evaluated: 2022-03-22. Review status: criteria provided, single submitter. Criteria: Invitae Variant Classification Sherloc (09022015). Collection method: clinical testing. Allele origin: germline.
Comment: This sequence change replaces serine, which is neutral and polar, with tyrosine, which is neutral and polar, at codon 307 of the TH protein (p.Ser307Tyr). This variant is not present in population databases (gnomAD no frequency). This missense change has been observed in individual(s) with clinical features of TH-related dystonia (Invitae). In at least one individual the data is consistent with being in trans (on the opposite chromosome) from a pathogenic variant. Advanced modeling of protein sequence and biophysical properties (such as structural, functional, and spatial information, amino acid conservation, physicochemical variation, residue mobility, and thermodynamic stability) performed at Invitae indicates that this missense variant is expected to disrupt TH protein function. In summary, the currently available evidence indicates that the variant is pathogenic, but additional data are needed to prove that conclusively. Therefore, this variant has been classified as Likely Pathogenic.

NM_000360.4(TH):c.827C>A (p.Ser276Tyr)

Gene: TH (tyrosine hydroxylase; minus strand). Cytogenetic location: 11p15.5.
Variant type: single nucleotide variant.
Coding change: c.827C>A on transcript NM_000360.4 (MANE Select); coding-DNA position 827, C replaced by A.
Protein change: p.Ser276Tyr; replaces serine 276 with tyrosine.
Molecular consequence: missense variant.
Genome position (GRCh38, 1-based): chr11:2,166,901, G>T on the plus strand (C>A on the coding strand, the complement: TH is on the minus strand). VCF-style: chr11-2166901-G-T. GRCh37 (hg19) VCF-style: chr11-2188131-G-T.
Other names: c.920C>A, p.Ser307Tyr (NM_199292.3); c.908C>A, p.Ser303Tyr (NM_199293.3); short protein forms S307Y, S303Y, S276Y.
Identifiers: ClinVar variation 1948864 (VCV001948864.6), dbSNP rs2495805112, ClinGen allele CA379126540.